The following is an entry in ClinVar:

ClinVar aggregate classification (germline): Benign. Review status: criteria provided, multiple submitters, no conflicts (2 of 4 stars). 2 submissions from 2 submitters: Benign (2). Last evaluated 2019-01-18.

Allele frequency attached by ClinVar (database versions not stated): 1000 Genomes Project 0.51278; 1000 Genomes Project 30x 0.51593; TOPMed 0.56181; gnomAD 0.57197 and 0.57491; gnomAD exomes 0.65872.
gnomAD v4.1: 160,980 of 263,650 alleles (61%); highest among the groups gnomAD compares: Non-Finnish European, 70%; 52,117 homozygotes.

Submissions (2):

GeneDx
Classification: Benign. Last evaluated: 2019-01-18. Review status: criteria provided, single submitter. Criteria: GeneDx Variant Classification Process June 2021. Collection method: clinical testing. Allele origin: germline. Affected: yes.
Comment: This variant is associated with the following publications: (PMID: 27995954)

Breakthrough Genomics
Classification: Benign. Review status: criteria provided, single submitter. Criteria: ACMG Guidelines, 2015. Collection method: not provided. Allele origin: germline. Inheritance: Unknown mechanism. Affected: yes.

NM_001199805.1(KLRC4-KLRK1):c.*348C>G

Genes: KLRC4-KLRK1 (KLRC4-KLRK1 readthrough; minus strand), KLRK1 (killer cell lectin like receptor K1; minus strand), KLRK1-AS1 (KLRK1 antisense RNA 1; plus strand). Cytogenetic location: 12p13.2.
Variant type: single nucleotide variant.
Coding change: c.*348C>G on transcript NM_001199805.1; 348 bases downstream of the stop codon, C replaced by G.
Molecular consequence: 3 prime UTR variant.
Genome position (GRCh38, 1-based): chr12:10,372,766, G>C on the plus strand (C>G on the coding strand, the complement: KLRC4-KLRK1 is on the minus strand). VCF-style: chr12-10372766-G-C. GRCh37 (hg19) VCF-style: chr12-10525365-G-C.
Other names: c.*348C>G (NM_007360.4).
Identifiers: ClinVar variation 1238157 (VCV001238157.4), dbSNP rs1049174, ClinGen allele CA15748995.